The following is an entry in ClinVar:

NM_002972.4(SBF1):c.4360ACC[1] (p.Thr1455del)

Gene: SBF1 (SET binding factor 1; minus strand). Cytogenetic location: 22q13.33.
Variant type: Microsatellite.
Coding change: c.4360ACC[1] on transcript NM_002972.4 (MANE Select); one copy of the 3-base unit ACC starting at c.4360; the reference has two copies in a row; one copy, 3 bases deleted.
Protein change: p.Thr1455del; deletes threonine 1455.
Molecular consequence: inframe deletion.
Genome position (GRCh38, 1-based): chr22:50,455,484-50,455,486, GGT deleted on the plus strand (ACC on the coding strand, the reverse complement: SBF1 is on the minus strand); deleting any 3 consecutive bases within chr22:50,455,484-50,455,490 gives the same sequence; the position shown is the placement nearest the transcript's 3' end. VCF-style (leftmost placement, unchanged base first): chr22-50455483-GGGT-G. GRCh37 (hg19) VCF-style: chr22-50893912-GGGT-G.
Other names: c.4285ACC[1], p.Thr1430del (NM_001365819.1); short protein forms T1430del, T1455del.
Identifiers: ClinVar variation 1512731 (VCV001512731.8), dbSNP rs2148571091, ClinGen allele CA2580615336.
Genomic context (GRCh38, chr22:50,455,483, plus strand): 5'-CAGGAGGTCAGCGAGGAGCCCGGGAGCCTGGCCCACCCCAGCCCCACGCGCCACACACCT[GGGT>G]GGTGATGTCCCAGCCATCCTCCAGGCCCACCAGCACGGAGGAGCCTGAATCCAGGAGCTC-3'

ClinVar aggregate classification (germline): Uncertain significance (1 of 4 stars; one submission).

Submission:

Labcorp Genetics (formerly Invitae), Labcorp
Classification: Uncertain significance. Last evaluated: 2021-02-22. Review status: criteria provided, single submitter. Criteria: Invitae Variant Classification Sherloc (09022015). Collection method: clinical testing. Allele origin: germline.
Comment: In summary, the available evidence is currently insufficient to determine the role of this variant in disease. Therefore, it has been classified as a Variant of Uncertain Significance. This variant, c.4363_4365del, results in the deletion of 1 amino acid(s) of the SBF1 protein (p.Thr1455del), but otherwise preserves the integrity of the reading frame. This variant is not present in population databases (ExAC no frequency). This variant has been observed in individual(s) with clinical features of Charcot-Marie-Tooth disease (Invitae). Experimental studies and prediction algorithms are not available or were not evaluated, and the functional significance of this variant is currently unknown.